The following is an entry in ClinVar:

ClinVar aggregate classification (germline): Likely benign (0 of 4 stars; one submission).

Conditions:
FAT1-related disorder. Also called: FAT1-related condition.

Allele frequency attached by ClinVar (database versions not stated): ExAC 0.00001; gnomAD 0.00002; TOPMed 0.00004; ESP Exome Variant Server 0.00016.
gnomAD v4.1: 89 of 1,612,680 alleles (0.0055%); highest among the groups gnomAD compares: Non-Finnish European, 0.007%; no homozygotes.

Submission:

PreventionGenetics, part of Exact Sciences
Classification: Likely benign for FAT1-related condition. Last evaluated: 2021-08-03. Review status: no assertion criteria provided. Collection method: clinical testing. Allele origin: germline.
Comment: This variant is classified as likely benign based on ACMG/AMP sequence variant interpretation guidelines (Richards et al. 2015 PMID: 25741868, with internal and published modifications).

NM_005245.4(FAT1):c.9936G>A (p.Thr3312=)

Gene: FAT1 (FAT atypical cadherin 1; minus strand). Cytogenetic location: 4q35.2.
Variant type: single nucleotide variant.
Coding change: c.9936G>A on transcript NM_005245.4 (MANE Select); coding-DNA position 9936, G replaced by A.
Protein change: p.Thr3312=; no amino-acid change (threonine 3312 retained).
Molecular consequence: synonymous variant.
Genome position (GRCh38, 1-based): chr4:186,609,933, C>T on the plus strand (G>A on the coding strand, the complement: FAT1 is on the minus strand). VCF-style: chr4-186609933-C-T. GRCh37 (hg19) VCF-style: chr4-187531087-C-T.
Identifiers: ClinVar variation 3031009 (VCV003031009.2), dbSNP rs374271097, ClinGen allele CA3165523.